The following is an entry in ClinVar:

NM_000038.6(APC):c.7564C>G (p.Pro2522Ala)

Gene: APC (APC regulator of Wnt signaling pathway; plus strand). Cytogenetic location: 5q22.2.
Variant type: single nucleotide variant.
Coding change: c.7564C>G on transcript NM_000038.6 (MANE Select); coding-DNA position 7564, C replaced by G.
Protein change: p.Pro2522Ala; replaces proline 2522 with alanine.
Molecular consequence: missense variant.
Genome position (GRCh38, 1-based): chr5:112,843,158, C>G. VCF-style: chr5-112843158-C-G. GRCh37 (hg19) VCF-style: chr5-112178855-C-G.
Other names: c.7564C>G, p.Pro2522Ala (NM_001127510.3, NM_001354895.2); c.7510C>G, p.Pro2504Ala (NM_001127511.3); c.7618C>G, p.Pro2540Ala (NM_001354896.2); c.7594C>G, p.Pro2532Ala (NM_001354897.2); c.7489C>G, p.Pro2497Ala (NM_001354898.2); c.7480C>G, p.Pro2494Ala (NM_001354899.2); c.7441C>G, p.Pro2481Ala (NM_001354900.2); c.7387C>G, p.Pro2463Ala (NM_001354901.2); and 6 more; short protein forms P2481A, P2239A, P2463A, P2362A, P2431A, P2494A, P2497A, P2504A.
Identifiers: ClinVar variation 1040272 (VCV001040272.12), dbSNP rs371149405, ClinGen allele CA16037772.

ClinVar aggregate classification (germline): Uncertain significance. Review status: criteria provided, multiple submitters, no conflicts (2 of 4 stars). 3 submissions from 3 submitters: Uncertain significance (3). Last evaluated 2026-01-04.

Conditions:
Familial adenomatous polyposis 1 (FAP1). Also called: FAMILIAL ADENOMATOUS POLYPOSIS 1, ATTENUATED; POLYPOSIS, ADENOMATOUS INTESTINAL. Identifiers: MedGen C2713442, MONDO:0021056, OMIM 175100. Disease mechanism: loss of function.
Classic or attenuated familial adenomatous polyposis. Identifiers: MedGen CN372698, MONDO:0021057.
Hereditary cancer-predisposing syndrome. Also called: Hereditary Cancer Syndrome; Neoplastic Syndromes, Hereditary; Tumor predisposition; Hereditary neoplastic syndrome. Identifiers: Orphanet 140162, MedGen C0027672, MeSH D009386, MONDO:0015356.

Submissions (3):

Ambry Genetics
Classification: Uncertain significance for Hereditary cancer-predisposing syndrome. Last evaluated: 2026-01-04. Review status: criteria provided, single submitter. Criteria: Ambry Variant Classification Scheme 2023. Collection method: clinical testing. Allele origin: germline.
Comment: The p.P2522A variant (also known as c.7564C>G), located in coding exon 15 of the APC gene, results from a C to G substitution at nucleotide position 7564. The proline at codon 2522 is replaced by alanine, an amino acid with highly similar properties. This amino acid position is conserved. In addition, in silico predictors for this gene do not accurately predict pathogenicity. Based on the available evidence, the clinical significance of this variant remains unclear.

Labcorp Genetics (formerly Invitae), Labcorp
Classification: Uncertain significance for Familial adenomatous polyposis 1. Last evaluated: 2025-03-07. Review status: criteria provided, single submitter. Criteria: Invitae Variant Classification Sherloc (09022015). Collection method: clinical testing. Allele origin: germline.
Comment: This sequence change replaces proline, which is neutral and non-polar, with alanine, which is neutral and non-polar, at codon 2522 of the APC protein (p.Pro2522Ala). This variant is not present in population databases (gnomAD no frequency). This variant has not been reported in the literature in individuals affected with APC-related conditions. ClinVar contains an entry for this variant (Variation ID: 1040272). Invitae Evidence Modeling of protein sequence and biophysical properties (such as structural, functional, and spatial information, amino acid conservation, physicochemical variation, residue mobility, and thermodynamic stability) indicates that this missense variant is not expected to disrupt APC protein function with a negative predictive value of 95%. In summary, the available evidence is currently insufficient to determine the role of this variant in disease. Therefore, it has been classified as a Variant of Uncertain Significance.

All of Us Research Program, National Institutes of Health
Classification: Uncertain significance for Classic or attenuated familial adenomatous polyposis. Last evaluated: 2024-07-20. Review status: criteria provided, single submitter. Criteria: ACMG Guidelines, 2015. Collection method: clinical testing. Allele origin: germline. Inheritance: Autosomal dominant inheritance. Observed: 1 variant allele, 1 heterozygote.
Comment: This missense variant replaces proline with alanine at codon 2522 of the APC protein. Computational prediction suggests that this variant may not impact protein structure and function (internally defined REVEL score threshold <= 0.5, PMID: 27666373). To our knowledge, functional studies have not been reported for this variant. This variant has not been reported in individuals affected with APC-related disorders in the literature. This variant has not been identified in the general population by the Genome Aggregation Database (gnomAD). The available evidence is insufficient to determine the role of this variant in disease conclusively. Therefore, this variant is classified as a Variant of Uncertain Significance.

This study involves interpretation of variants in research participants for the purpose of population health screening. Participant phenotype was not available at the time of variant classification. Additional details can be found in publication PMID: 35346344, PMCID: PMC8962531